The following is an entry in ClinVar:

ClinVar aggregate classification (germline): Uncertain significance (1 of 4 stars; one submission).

Submission:

Labcorp Genetics (formerly Invitae), Labcorp
Classification: Uncertain significance. Last evaluated: 2022-08-18. Review status: criteria provided, single submitter. Criteria: Invitae Variant Classification Sherloc (09022015). Collection method: clinical testing. Allele origin: germline.
Comment: This variant has not been reported in the literature in individuals affected with PLXNA2-related conditions. This sequence change replaces aspartic acid, which is acidic and polar, with asparagine, which is neutral and polar, at codon 193 of the PLXNA2 protein (p.Asp193Asn). This variant is not present in population databases (gnomAD no frequency). Algorithms developed to predict the effect of missense changes on protein structure and function are either unavailable or do not agree on the potential impact of this missense change (SIFT: "Tolerated"; PolyPhen-2: "Probably Damaging"; Align-GVGD: "Class C0"). In summary, the available evidence is currently insufficient to determine the role of this variant in disease. Therefore, it has been classified as a Variant of Uncertain Significance.

NM_025179.4(PLXNA2):c.577G>A (p.Asp193Asn)

Gene: PLXNA2 (plexin A2; minus strand). Cytogenetic location: 1q32.2.
Variant type: single nucleotide variant.
Coding change: c.577G>A on transcript NM_025179.4 (MANE Select); coding-DNA position 577, G replaced by A.
Protein change: p.Asp193Asn; replaces aspartic acid 193 with asparagine.
Molecular consequence: missense variant.
Genome position (GRCh38, 1-based): chr1:208,217,346, C>T on the plus strand (G>A on the coding strand, the complement: PLXNA2 is on the minus strand). VCF-style: chr1-208217346-C-T. GRCh37 (hg19) VCF-style: chr1-208390691-C-T.
Other names: short protein forms D193N.
Identifiers: ClinVar variation 2124406 (VCV002124406.4), dbSNP rs2527197615, ClinGen allele CA344559318.